The following is an entry in ClinVar:

ClinVar aggregate classification (germline): Uncertain significance (1 of 4 stars; one submission).

Conditions:
46 XY differences of sex development. Also called: 46, XY disorder of sex development (DSD); 46,XY disorder of sex development. Identifiers: Orphanet 98085, MedGen C2751824, MONDO:0020040.
Oligosynaptic infertility (SPGF1). Also called: SPERMATOGENIC FAILURE 1; OLIGOCHIASMATIC INFERTILITY. Identifiers: MedGen C0403810, MONDO:0009776, OMIM 258150.

Submission:

Labcorp Genetics (formerly Invitae), Labcorp
Classification: Uncertain significance for 46 XY differences of sex development; Oligosynaptic infertility. Last evaluated: 2021-07-27. Review status: criteria provided, single submitter. Criteria: Invitae Variant Classification Sherloc (09022015). Collection method: clinical testing. Allele origin: germline.
Comment: Algorithms developed to predict the effect of missense changes on protein structure and function are either unavailable or do not agree on the potential impact of this missense change (SIFT: "Deleterious"; PolyPhen-2: "Probably Damaging"; Align-GVGD: "Class C0"). This variant has been observed in individual(s) with clinical features of NR5A1-related conditions (Invitae). This variant is not present in population databases (ExAC no frequency). This sequence change replaces lysine with asparagine at codon 34 of the NR5A1 protein (p.Lys34Asn). The lysine residue is moderately conserved and there is a moderate physicochemical difference between lysine and asparagine. This variant also falls at the last nucleotide of exon 2, which is part of the consensus splice site for this exon. Nucleotide substitutions within the consensus splice site are a relatively common cause of aberrant splicing (PMID: 17576681, 9536098). Algorithms developed to predict the effect of sequence changes on RNA splicing suggest that this variant may disrupt the consensus splice site. In summary, the available evidence is currently insufficient to determine the role of this variant in disease. Therefore, it has been classified as a Variant of Uncertain Significance.

Literature cited by the submitters: PubMed 17576681; PubMed 9536098.

NM_004959.5(NR5A1):c.102G>C (p.Lys34Asn)

Gene: NR5A1 (nuclear receptor subfamily 5 group A member 1; minus strand). Cytogenetic location: 9q33.3.
Variant type: single nucleotide variant.
Coding change: c.102G>C on transcript NM_004959.5 (MANE Select); coding-DNA position 102, G replaced by C.
Protein change: p.Lys34Asn; replaces lysine 34 with asparagine.
Molecular consequence: missense variant.
Genome position (GRCh38, 1-based): chr9:124,503,294, C>G on the plus strand (G>C on the coding strand, the complement: NR5A1 is on the minus strand). VCF-style: chr9-124503294-C-G. GRCh37 (hg19) VCF-style: chr9-127265573-C-G.
Other names: short protein forms K34N.
Identifiers: ClinVar variation 1493513 (VCV001493513.6), dbSNP rs2131289952, ClinGen allele CA374890632.